The following is an entry in ClinVar:

ClinVar aggregate classification (germline): Pathogenic. Review status: criteria provided, multiple submitters, no conflicts (2 of 4 stars). 3 submissions from 3 submitters: Pathogenic (2). 1 of the submissions does not count toward it. Last evaluated 2025-08-06.

Conditions:
Colorectal cancer. Also called: Malignant Colorectal Neoplasm; Colorectal cancer, somatic. Identifiers: MedGen C0346629, MONDO:0005575, OMIM 114500.
Hereditary cancer-predisposing syndrome. Also called: Tumor predisposition; Neoplastic Syndromes, Hereditary; Hereditary Cancer Syndrome; Hereditary neoplastic syndrome. Identifiers: Orphanet 140162, MedGen C0027672, MeSH D009386, MONDO:0015356.
Hereditary breast ovarian cancer syndrome. Also called: Hereditary breast and ovarian cancer syndrome (HBOC); Breast and ovarian cancer; BRCA1- and BRCA2-Associated Hereditary Breast and Ovarian Cancer; Hereditary breast and ovarian cancer syndrome; Hereditary breast and/or ovarian cancer syndrome; Hereditary breast and ovarian cancer. Identifiers: Orphanet 145, MedGen C0677776, MeSH D061325, MONDO:0003582. Disease mechanism: loss of function.

Submissions (3):

Labcorp Genetics (formerly Invitae), Labcorp
Classification: Pathogenic for Hereditary breast ovarian cancer syndrome. Last evaluated: 2025-08-06. Review status: criteria provided, single submitter. Criteria: Invitae Variant Classification Sherloc (09022015). Collection method: clinical testing. Allele origin: germline.
Comment: This sequence change creates a premature translational stop signal (p.Leu771*) in the BRCA2 gene. It is expected to result in an absent or disrupted protein product. Loss-of-function variants in BRCA2 are known to be pathogenic (PMID: 20104584). This variant is not present in population databases (gnomAD no frequency). This premature translational stop signal has been observed in individual(s) with a personal or family history of BRCA2-related conditions (PMID: 24156927). ClinVar contains an entry for this variant (Variation ID: 1703207). For these reasons, this variant has been classified as Pathogenic.

Color Diagnostics, LLC DBA Color Health
Classification: Pathogenic for Hereditary cancer-predisposing syndrome. Last evaluated: 2025-05-27. Review status: criteria provided, single submitter. Criteria: ACMG Guidelines, 2015. Collection method: clinical testing. Allele origin: germline.
Comment: This variant deletes 1 nucleotide in exon 11 of the BRCA2 gene, creating a frameshift and premature translation stop signal. This variant is expected to result in an absent or non-functional protein product. To our knowledge, this variant has not been reported in individuals affected with BRCA2-related disorders in the literature. This variant has not been identified in the general population by the Genome Aggregation Database (gnomAD). Loss of BRCA2 function is a known mechanism of disease. Based on the available evidence, this variant is classified as Pathogenic.

Genomic Center, National Cancer Institute
Classification: Pathogenic for Colorectal cancer. Review status: no assertion criteria provided. Collection method: case-control. Allele origin: germline. Affected: yes. Not counted in ClinVar's aggregate classification.

Literature cited by the submitters: PubMed 20104584 (cited by Labcorp Genetics (formerly Invitae), Labcorp); PubMed 24156927 (cited by Labcorp Genetics (formerly Invitae), Labcorp).

NM_000059.4(BRCA2):c.2312del (p.Ile770_Leu771insTer)

Gene: BRCA2 (BRCA2 DNA repair associated; plus strand). Cytogenetic location: 13q13.1.
Variant type: Deletion.
Coding change: c.2312del on transcript NM_000059.4 (MANE Select); coding-DNA position 2312, one base deleted (T; older notation c.2312delT).
Protein change: p.Ile770_Leu771insTer.
Molecular consequence: nonsense.
Genome position (GRCh38, 1-based): chr13:32,336,667, T deleted; the last of 4 consecutive T bases (chr13:32,336,664-32,336,667); deleting any one gives the same sequence. VCF-style (leftmost placement, unchanged base first): chr13-32336663-AT-A. GRCh37 (hg19) VCF-style: chr13-32910800-AT-A.
Other names: c.2312delT (NM_000059.4).
Identifiers: ClinVar variation 1703207 (VCV001703207.3), dbSNP rs2137485242, ClinGen allele CA2580087258.